The following is an entry in ClinVar:

ClinVar aggregate classification (germline): Uncertain significance (1 of 4 stars; one submission).

Allele frequency attached by ClinVar (database versions not stated): TOPMed 0.00004.

Submission:

Mayo Clinic Laboratories, Mayo Clinic
Classification: Uncertain significance. Last evaluated: 2022-09-20. Review status: criteria provided, single submitter. Criteria: ACMG Guidelines, 2015. Collection method: clinical testing. Allele origin: germline. Observed: 2 variant alleles.
Comment: BP4, BP7, PM2

NM_001022.3(RPS19):c.-180C>T

Gene: RPS19 (ribosomal protein S19; plus strand). Cytogenetic location: 19q13.2.
Variant type: single nucleotide variant.
Coding change: c.-180C>T on transcript NM_001022.3; 180 bases upstream of the start codon, C replaced by T.
Genome position (GRCh38, 1-based): chr19:41,860,110, C>T. VCF-style: chr19-41860110-C-T. GRCh37 (hg19) VCF-style: chr19-42364180-C-T.
Identifiers: ClinVar variation 2683503 (VCV002683503.1), dbSNP rs1465805886, ClinGen allele CA633180914.